The following is an entry in ClinVar:

NM_025216.3(WNT10A):c.1046del (p.Glu349fs)

Gene: WNT10A (Wnt family member 10A; plus strand). Cytogenetic location: 2q35.
Variant type: Deletion.
Coding change: c.1046del on transcript NM_025216.3 (MANE Select); coding-DNA position 1046, one base deleted (A; older notation c.1046delA).
Protein change: p.Glu349fs; shifts the reading frame from glutamic acid 349.
Molecular consequence: frameshift variant.
Genome position (GRCh38, 1-based): chr2:218,893,063, A deleted. VCF-style (leftmost placement, unchanged base first): chr2-218893062-GA-G. GRCh37 (hg19) VCF-style: chr2-219757784-GA-G.
Other names: short protein forms E349fs.
Identifiers: ClinVar variation 2030582 (VCV002030582.4), dbSNP rs2469037478, ClinGen allele CA2573320303.

ClinVar aggregate classification (germline): Pathogenic (1 of 4 stars; one submission).

Conditions:
Tooth agenesis, selective, 4 (STHAG4). Also called: SUCCEDANEOUS TEETH, AGENESIS OF; TOOTH AGENESIS, SELECTIVE, 4, WITH OR WITHOUT ECTODERMAL DYSPLASIA; LATERAL INCISORS, ABSENCE OF; LATERAL INCISORS, PEGGED OR MISSING. Identifiers: Orphanet 99798, MedGen C1835492, MONDO:0007881, OMIM 150400. Disease mechanism: loss of function.
Odonto-onycho-dermal dysplasia. Identifiers: Orphanet 2721, MedGen C0796093, MONDO:0009773, OMIM 257980.

Allele frequency attached by ClinVar (database versions not stated): gnomAD exomes below 0.00001.

Submission:

Labcorp Genetics (formerly Invitae), Labcorp
Classification: Pathogenic for Tooth agenesis, selective, 4; Odonto-onycho-dermal dysplasia. Last evaluated: 2022-09-22. Review status: criteria provided, single submitter. Criteria: Invitae Variant Classification Sherloc (09022015). Collection method: clinical testing. Allele origin: germline.
Comment: For these reasons, this variant has been classified as Pathogenic. This variant disrupts a region of the WNT10A protein in which other variant(s) (p.Glu390*) have been determined to be pathogenic (PMID: 24902757). This suggests that this is a clinically significant region of the protein, and that variants that disrupt it are likely to be disease-causing. This variant has not been reported in the literature in individuals affected with WNT10A-related conditions. This variant is not present in population databases (gnomAD no frequency). This sequence change results in a frameshift in the WNT10A gene (p.Glu349Glyfs*89). While this is not anticipated to result in nonsense mediated decay, it is expected to disrupt the last 69 amino acid(s) of the WNT10A protein and extend the protein by 19 additional amino acid residues.

Literature cited by the submitters: PubMed 24902757.